The following is an entry in ClinVar:

ClinVar aggregate classification (germline): Benign (0 of 4 stars; one submission).

Conditions:
ITSN2-related disorder. Also called: ITSN2-related condition.

Allele frequency attached by ClinVar (database versions not stated): gnomAD exomes 0.00034; ExAC 0.00114; gnomAD 0.00369; ESP Exome Variant Server 0.00384; TOPMed 0.00401; 1000 Genomes Project 0.00439; 1000 Genomes Project 30x 0.00547.
gnomAD v4.1: 1,079 of 1,614,202 alleles (0.067%); highest among the groups gnomAD compares: African/African-American, 1.2%; 6 homozygotes.

Submission:

PreventionGenetics, part of Exact Sciences
Classification: Benign for ITSN2-related condition. Last evaluated: 2019-08-26. Review status: no assertion criteria provided. Collection method: clinical testing. Allele origin: germline.
Comment: This variant is classified as benign based on ACMG/AMP sequence variant interpretation guidelines (Richards et al. 2015 PMID: 25741868, with internal and published modifications).

NM_006277.3(ITSN2):c.5001T>C (p.Pro1667=)

Gene: ITSN2 (intersectin 2; minus strand). Cytogenetic location: 2p23.3.
Variant type: single nucleotide variant.
Coding change: c.5001T>C on transcript NM_006277.3 (MANE Select); coding-DNA position 5001, T replaced by C.
Protein change: p.Pro1667=; no amino-acid change (proline 1667 retained).
Molecular consequence: synonymous variant.
Genome position (GRCh38, 1-based): chr2:24,203,719, A>G on the plus strand (T>C on the coding strand, the complement: ITSN2 is on the minus strand). VCF-style: chr2-24203719-A-G. GRCh37 (hg19) VCF-style: chr2-24426588-A-G.
Other names: c.4959T>C, p.Pro1653= (NM_001348181.2); c.4881T>C, p.Pro1627= (NM_001348182.2); c.4920T>C, p.Pro1640= (NM_019595.4).
Identifiers: ClinVar variation 3039372 (VCV003039372.2), dbSNP rs144802071, ClinGen allele CA1550331.